The following is an entry in ClinVar:

ClinVar aggregate classification (germline): Uncertain significance. Review status: criteria provided, multiple submitters, no conflicts (2 of 4 stars). 2 submissions from 2 submitters: Uncertain significance (2). Last evaluated 2025-10-02.

Allele frequency attached by ClinVar (database versions not stated): TOPMed 0.00010; ESP Exome Variant Server 0.00015; gnomAD exomes 0.00016 and 0.00023; gnomAD 0.00025 and 0.00026; ExAC 0.00029.
gnomAD v4.1: 259 of 1,570,012 alleles (0.016%); highest among the groups gnomAD compares: Non-Finnish European, 0.015%; 1 homozygote.

Submissions (2):

Labcorp Genetics (formerly Invitae), Labcorp
Classification: Uncertain significance. Last evaluated: 2025-10-02. Review status: criteria provided, single submitter. Criteria: Invitae Variant Classification Sherloc (09022015). Collection method: clinical testing. Allele origin: germline.
Comment: This sequence change replaces alanine, which is neutral and non-polar, with valine, which is neutral and non-polar, at codon 1160 of the ADGRB2 protein (p.Ala1160Val). This variant is present in population databases (rs201556659, gnomAD 0.1%), and has an allele count higher than expected for a pathogenic variant. This variant has not been reported in the literature in individuals affected with ADGRB2-related conditions. ClinVar contains an entry for this variant (Variation ID: 1373453). An algorithm developed to predict the effect of missense changes on protein structure and function outputs the following: PolyPhen-2: "Benign". The valine amino acid residue is found in multiple mammalian species, which suggests that this missense change does not adversely affect protein function. In summary, the available evidence is currently insufficient to determine the role of this variant in disease. Therefore, it has been classified as a Variant of Uncertain Significance.

Ambry Genetics
Classification: Uncertain significance. Last evaluated: 2021-08-23. Review status: criteria provided, single submitter. Criteria: Ambry Variant Classification Scheme 2023. Collection method: clinical testing. Allele origin: germline.

NM_001364857.2(ADGRB2):c.3578C>T (p.Ala1193Val)

Gene: ADGRB2 (adhesion G protein-coupled receptor B2; minus strand). Cytogenetic location: 1p35.2.
Variant type: single nucleotide variant.
Coding change: c.3578C>T on transcript NM_001364857.2 (MANE Select); coding-DNA position 3578, C replaced by T.
Protein change: p.Ala1193Val; replaces alanine 1193 with valine.
Molecular consequence: missense variant.
Genome position (GRCh38, 1-based): chr1:31,733,018, G>A on the plus strand (C>T on the coding strand, the complement: ADGRB2 is on the minus strand). VCF-style: chr1-31733018-G-A. GRCh37 (hg19) VCF-style: chr1-32198619-G-A.
Other names: c.3578C>T (NM_001703.2); c.3578C>T, p.Ala1193Val (NM_001294335.2); c.3479C>T, p.Ala1160Val (NM_001294336.2); short protein forms A1160V, A1193V.
Identifiers: ClinVar variation 1373453 (VCV001373453.9), dbSNP rs201556659, ClinGen allele CA735274.